The following is an entry in ClinVar:

NM_006363.6(SEC23B):c.1202G>A (p.Arg401Gln)

Gene: SEC23B (SEC23 homolog B, COPII component; plus strand). Cytogenetic location: 20p11.23.
Variant type: single nucleotide variant.
Coding change: c.1202G>A on transcript NM_006363.6 (MANE Select); coding-DNA position 1202, G replaced by A.
Protein change: p.Arg401Gln; replaces arginine 401 with glutamine.
Molecular consequence: missense variant.
Genome position (GRCh38, 1-based): chr20:18,530,772, G>A. VCF-style: chr20-18530772-G-A. GRCh37 (hg19) VCF-style: chr20-18511416-G-A.
Other names: c.1202G>A, p.Arg401Gln (NM_001172745.3, NM_032985.6, NM_032986.5); c.1148G>A, p.Arg383Gln (NM_001172746.3); c.1202G>A (NM_006363.4); short protein forms R383Q, R401Q.
Identifiers: ClinVar variation 2435791 (VCV002435791.4), dbSNP rs562857254, ClinGen allele CA9778253.

ClinVar aggregate classification (germline): Uncertain significance. Review status: criteria provided, multiple submitters, no conflicts (2 of 4 stars). 2 submissions from 2 submitters: Uncertain significance (2). Last evaluated 2026-05-12.

Conditions:
Inborn genetic diseases. Identifiers: MedGen C0950123, MeSH D030342.

Allele frequency attached by ClinVar (database versions not stated): gnomAD exomes 0.00005; 1000 Genomes Project 0.00020; ExAC 0.00007; 1000 Genomes Project 30x 0.00016; TOPMed 0.00004; gnomAD 0.00005.
gnomAD v4.1: 85 of 1,612,510 alleles (0.0053%); highest among the groups gnomAD compares: South Asian, 0.03%; no homozygotes.

Submissions (2):

Ambry Genetics
Classification: Uncertain significance for Inborn genetic diseases. Last evaluated: 2026-05-12. Review status: criteria provided, single submitter. Criteria: Ambry Variant Classification Scheme 2023. Collection method: clinical testing. Allele origin: germline.
Comment: The c.1202G>A (p.R401Q) alteration is located in exon 10 (coding exon 9) of the SEC23B gene. This alteration results from a G to A substitution at nucleotide position 1202, causing the arginine (R) at amino acid position 401 to be replaced by a glutamine (Q). Based on data from gnomAD, the A allele has an overall frequency of 0.006% (17/282244) total alleles studied. The highest observed frequency was 0.036% (11/30612) of South Asian alleles. Based on insufficient or conflicting evidence, the clinical significance of this alteration remains unclear.

Revvity Omics, Revvity
Classification: Uncertain significance. Last evaluated: 2024-04-29. Review status: criteria provided, single submitter. Criteria: ACMG Guidelines, 2015. Collection method: clinical testing. Allele origin: germline.